The following is an entry in ClinVar:

NM_001003800.2(BICD2):c.1533C>A (p.Asp511Glu)

Gene: BICD2 (BICD cargo adaptor 2; minus strand). Cytogenetic location: 9q22.31.
Variant type: single nucleotide variant.
Coding change: c.1533C>A on transcript NM_001003800.2 (MANE Select); coding-DNA position 1533, C replaced by A.
Protein change: p.Asp511Glu; replaces aspartic acid 511 with glutamic acid.
Molecular consequence: missense variant.
Genome position (GRCh38, 1-based): chr9:92,719,112, G>T on the plus strand (C>A on the coding strand, the complement: BICD2 is on the minus strand). VCF-style: chr9-92719112-G-T. GRCh37 (hg19) VCF-style: chr9-95481394-G-T.
Other names: c.1533C>A, p.Asp511Glu (NM_015250.4); short protein forms D511E.
Identifiers: ClinVar variation 2994090 (VCV002994090.3), dbSNP rs773725679, ClinGen allele CA5126532.

ClinVar aggregate classification (germline): Uncertain significance (1 of 4 stars; one submission).

Conditions:
Autosomal dominant childhood-onset proximal spinal muscular atrophy with contractures (SMALED2A). Also called: Spinal muscular atrophy, lower extremity-predominant, 2A, autosomal dominant; SPINAL MUSCULAR ATROPHY, LOWER EXTREMITY-PREDOMINANT, 2A, CHILDHOOD ONSET, AUTOSOMAL DOMINANT. Identifiers: Orphanet 363447, Orphanet 363454, MedGen C4747715, MONDO:0014121, OMIM 615290.

Allele frequency attached by ClinVar (database versions not stated): ExAC 0.00001.
gnomAD v4.1: 2 of 1,612,648 alleles (0.00012%); highest among the groups gnomAD compares: Non-Finnish European, 0.00017%; no homozygotes.

Submission:

Labcorp Genetics (formerly Invitae), Labcorp
Classification: Uncertain significance for Autosomal dominant childhood-onset proximal spinal muscular atrophy with contractures. Last evaluated: 2024-04-18. Review status: criteria provided, single submitter. Criteria: Invitae Variant Classification Sherloc (09022015). Collection method: clinical testing. Allele origin: germline.
Comment: This sequence change replaces aspartic acid, which is acidic and polar, with glutamic acid, which is acidic and polar, at codon 511 of the BICD2 protein (p.Asp511Glu). This variant is present in population databases (rs773725679, gnomAD 0.0009%). This variant has not been reported in the literature in individuals affected with BICD2-related conditions. Advanced modeling of protein sequence and biophysical properties (such as structural, functional, and spatial information, amino acid conservation, physicochemical variation, residue mobility, and thermodynamic stability) performed at Invitae indicates that this missense variant is not expected to disrupt BICD2 protein function with a negative predictive value of 80%. In summary, the available evidence is currently insufficient to determine the role of this variant in disease. Therefore, it has been classified as a Variant of Uncertain Significance.